The following is an entry in ClinVar:

ClinVar aggregate classification (germline): Uncertain significance (1 of 4 stars; one submission).

Conditions:
Pulmonary hypertension, primary, 4. Identifiers: Orphanet 422, MedGen C3809198, MONDO:0014136, OMIM 615344.

Submission:

Labcorp Genetics (formerly Invitae), Labcorp
Classification: Uncertain significance for Pulmonary hypertension, primary, 4. Last evaluated: 2021-12-31. Review status: criteria provided, single submitter. Criteria: Invitae Variant Classification Sherloc (09022015). Collection method: clinical testing. Allele origin: germline.
Comment: This sequence change replaces glutamic acid, which is acidic and polar, with glutamine, which is neutral and polar, at codon 60 of the KCNK3 protein (p.Glu60Gln). In summary, the available evidence is currently insufficient to determine the role of this variant in disease. Therefore, it has been classified as a Variant of Uncertain Significance. Algorithms developed to predict the effect of missense changes on protein structure and function (SIFT, PolyPhen-2, Align-GVGD) all suggest that this variant is likely to be tolerated. This variant has not been reported in the literature in individuals affected with KCNK3-related conditions. This variant is not present in population databases (gnomAD no frequency).

NM_002246.3(KCNK3):c.178G>C (p.Glu60Gln)

Gene: KCNK3 (potassium two pore domain channel subfamily K member 3; plus strand). Cytogenetic location: 2p23.3.
Variant type: single nucleotide variant.
Coding change: c.178G>C on transcript NM_002246.3 (MANE Select); coding-DNA position 178, G replaced by C.
Protein change: p.Glu60Gln; replaces glutamic acid 60 with glutamine.
Molecular consequence: missense variant.
Genome position (GRCh38, 1-based): chr2:26,693,053, G>C. VCF-style: chr2-26693053-G-C. GRCh37 (hg19) VCF-style: chr2-26915921-G-C.
Other names: short protein forms E60Q.
Identifiers: ClinVar variation 2067650 (VCV002067650.4), dbSNP rs2465285223, ClinGen allele CA346261189.